The following is an entry in ClinVar:

NM_000439.5(PCSK1):c.704T>C (p.Val235Ala)

Genes: CAST (calpastatin; plus strand), PCSK1 (proprotein convertase subtilisin/kexin type 1; minus strand), LOC101929710 (uncharacterized LOC101929710; plus strand). Cytogenetic location: 5q15.
Variant type: single nucleotide variant.
Coding change: c.704T>C on transcript NM_000439.5 (MANE Select); coding-DNA position 704, T replaced by C.
Protein change: p.Val235Ala; replaces valine 235 with alanine.
Molecular consequence: missense variant. On other transcripts: intron variant (11).
Genome position (GRCh38, 1-based): chr5:96,416,038, A>G on the plus strand (T>C on the coding strand, the complement: PCSK1 is on the minus strand). VCF-style: chr5-96416038-A-G. GRCh37 (hg19) VCF-style: chr5-95751742-A-G.
Other names: c.563T>C, p.Val188Ala (NM_001177875.2); c.-175+36386A>G (NM_001423254.1, NM_001423259.1, NM_001423255.1 and 6 more transcripts); c.-103+36386A>G (NM_001423253.1); c.-40+36386A>G (NM_001423258.1); short protein forms V188A, V235A.
Identifiers: ClinVar variation 4995917 (VCV004995917.1).

ClinVar aggregate classification (germline): Likely benign (1 of 4 stars; one submission).

Conditions:
PCSK1-related disorder. Also called: PCSK1-related condition.

gnomAD v4.1: 66 of 1,602,566 alleles (0.0041%); highest among the groups gnomAD compares: East Asian, 0.13%; no homozygotes.

Submission:

PreventionGenetics, part of Exact Sciences
Classification: Likely benign for PCSK1-related condition. Last evaluated: 2025-05-12. Review status: criteria provided, single submitter. Criteria: ACMG Guidelines, 2015. Collection method: clinical testing. Allele origin: germline.
Comment: This variant is classified as likely benign based on ACMG/AMP sequence variant interpretation guidelines (Richards et al. 2015 PMID: 25741868, with internal and published modifications).